The following is an entry in ClinVar:

ClinVar aggregate classification (germline): Uncertain significance (1 of 4 stars; one submission).

Conditions:
Inborn genetic diseases. Identifiers: MedGen C0950123, MeSH D030342.

Allele frequency attached by ClinVar (database versions not stated): TOPMed below 0.00001; ExAC 0.00003; gnomAD exomes 0.00003.
gnomAD v4.1: 51 of 1,612,718 alleles (0.0032%); highest among the groups gnomAD compares: South Asian, 0.054%; 1 homozygote.

Submission:

Ambry Genetics
Classification: Uncertain significance for Inborn genetic diseases. Last evaluated: 2021-11-24. Review status: criteria provided, single submitter. Criteria: Ambry Variant Classification Scheme 2023. Collection method: clinical testing. Allele origin: germline.
Comment: The c.489+4A>T intronic alteration consists of a A to T substitution 4 nucleotides after exon 6 (coding exon 5) of the GMPPA gene. Based on insufficient or conflicting evidence, the clinical significance of this alteration remains unclear.

NM_013335.4(GMPPA):c.489+4A>T

Genes: ASIC4-AS1 (ASIC4 antisense RNA 1; minus strand), GMPPA (GDP-mannose pyrophosphorylase A; plus strand). Cytogenetic location: 2q35.
Variant type: single nucleotide variant.
Coding change: c.489+4A>T on transcript NM_013335.4 (MANE Select); 4 bases into the intron after coding-DNA position 489, A replaced by T.
Molecular consequence: intron variant.
Genome position (GRCh38, 1-based): chr2:219,502,445, A>T. VCF-style: chr2-219502445-A-T. GRCh37 (hg19) VCF-style: chr2-220367167-A-T.
Other names: c.489+4A>T (NM_001374295.1, NM_205847.3, NM_001374294.1).
Identifiers: ClinVar variation 2254424 (VCV002254424.2), dbSNP rs763369705, ClinGen allele CA2128184.